The following is an entry in ClinVar:

ClinVar aggregate classification (germline): Uncertain significance (1 of 4 stars; one submission).

Submission:

GeneDx
Classification: Uncertain significance. Last evaluated: 2023-08-16. Review status: criteria provided, single submitter. Criteria: GeneDx Variant Classification Process June 2021. Collection method: clinical testing. Allele origin: germline. Affected: yes.
Comment: Not observed at significant frequency in large population cohorts (gnomAD); Has not been previously published as pathogenic or benign to our knowledge; Frameshift variant predicted to result in protein truncation or nonsense mediated decay in a gene for which loss-of-function is not a known mechanism of disease

NM_000257.4(MYH7):c.5354del (p.Asn1785fs)

Gene: MYH7 (myosin heavy chain 7; minus strand). Cytogenetic location: 14q11.2.
Variant type: Deletion.
Coding change: c.5354del on transcript NM_000257.4 (MANE Select); coding-DNA position 5354, one base deleted (A; older notation c.5354delA).
Protein change: p.Asn1785fs; shifts the reading frame from asparagine 1785.
Molecular consequence: frameshift variant.
Genome position (GRCh38, 1-based): chr14:23,415,200, T deleted on the plus strand (A on the coding strand, the reverse complement: MYH7 is on the minus strand); the first of 2 consecutive T bases (chr14:23,415,200-23,415,201); deleting either gives the same sequence. VCF-style (leftmost placement, unchanged base first): chr14-23415199-GT-G. GRCh37 (hg19) VCF-style: chr14-23884408-GT-G.
Other names: c.5353delA, p.Asn1785Thrfs (NM_000257.2); c.5354del, p.Asn1785fs (NM_001407004.1); short protein forms N1785fs.
Identifiers: ClinVar variation 3375815 (VCV003375815.1).